The following is an entry in ClinVar:

NM_006267.5(RANBP2):c.2617C>A (p.Pro873Thr)

Gene: RANBP2 (RAN binding protein 2; plus strand). Cytogenetic location: 2q13.
Variant type: single nucleotide variant.
Coding change: c.2617C>A on transcript NM_006267.5 (MANE Select); coding-DNA position 2617, C replaced by A.
Protein change: p.Pro873Thr; replaces proline 873 with threonine.
Molecular consequence: missense variant.
Genome position (GRCh38, 1-based): chr2:108,762,115, C>A. VCF-style: chr2-108762115-C-A. GRCh37 (hg19) VCF-style: chr2-109378571-C-A.
Other names: c.2617C>A, p.Pro873Thr (NM_001415871.1, NM_001415873.1); c.2614C>A, p.Pro872Thr (NM_001415872.1); short protein forms P872T, P873T.
Identifiers: ClinVar variation 2500384 (VCV002500384.1), dbSNP rs2467600123, ClinGen allele CA348057052.

ClinVar aggregate classification (germline): Uncertain significance (1 of 4 stars; one submission).

Submission:

GeneDx
Classification: Uncertain significance. Last evaluated: 2022-10-31. Review status: criteria provided, single submitter. Criteria: GeneDx Variant Classification Process June 2021. Collection method: clinical testing. Allele origin: germline. Affected: yes.
Comment: Not observed at significant frequency in large population cohorts (gnomAD); In silico analysis supports that this missense variant has a deleterious effect on protein structure/function; Has not been previously published as pathogenic or benign to our knowledge